The following is an entry in ClinVar:

ClinVar aggregate classification (germline): Uncertain significance. Review status: criteria provided, multiple submitters, no conflicts (2 of 4 stars). 2 submissions from 2 submitters: Uncertain significance (2). Last evaluated 2025-12-17.

Conditions:
Cardiovascular phenotype. Identifiers: MedGen CN230736.
Brugada syndrome. Also called: Sudden Unexplained Death Syndrome; Sudden Unexplained Nocturnal Death Syndrome (SUNDS); Sudden unexpected nocturnal death syndrome; Sudden unexplained nocturnal death syndrome. Identifiers: Orphanet 130, MedGen C1142166, MONDO:0015263.

Submissions (2):

Labcorp Genetics (formerly Invitae), Labcorp
Classification: Uncertain significance for Brugada syndrome. Last evaluated: 2025-12-17. Review status: criteria provided, single submitter. Criteria: Invitae Variant Classification Sherloc (09022015). Collection method: clinical testing. Allele origin: germline.
Comment: This sequence change affects an acceptor splice site in intron 1 of the SCN10A gene. It is expected to disrupt RNA splicing. Variants that disrupt the donor or acceptor splice site typically lead to a loss of protein function (PMID: 16199547), however the current clinical and genetic evidence is not sufficient to establish whether loss-of-function variants in SCN10A cause disease. This variant is not present in population databases (gnomAD no frequency). This variant has not been reported in the literature in individuals affected with SCN10A-related conditions. ClinVar contains an entry for this variant (Variation ID: 1795085). Algorithms developed to predict the effect of sequence changes on RNA splicing suggest that this variant may disrupt the consensus splice site. In summary, the available evidence is currently insufficient to determine the role of this variant in disease. Therefore, it has been classified as a Variant of Uncertain Significance.

Ambry Genetics
Classification: Uncertain significance for Cardiovascular phenotype. Last evaluated: 2024-11-20. Review status: criteria provided, single submitter. Criteria: Ambry Variant Classification Scheme 2023. Collection method: clinical testing. Allele origin: germline.
Comment: The c.271-2A>G intronic variant results from an A to G substitution two nucleotides upstream from coding exon 2 in the SCN10A gene. This nucleotide position is highly conserved in available vertebrate species. In silico splice site analysis predicts that this alteration will weaken the native splice acceptor site. Alterations that disrupt the canonical splice site are expected to cause aberrant splicing, resulting in an abnormal protein or a transcript that is subject to nonsense-mediated mRNA decay. However, loss of function of SCN10A has not been clearly established as a mechanism of disease. Since supporting evidence is limited at this time, the clinical significance of this alteration remains unclear.

Literature cited by the submitters: PubMed 16199547 (cited by Labcorp Genetics (formerly Invitae), Labcorp).

NM_006514.4(SCN10A):c.271-2A>G

Gene: SCN10A (sodium voltage-gated channel alpha subunit 10; minus strand). Cytogenetic location: 3p22.2.
Variant type: single nucleotide variant.
Coding change: c.271-2A>G on transcript NM_006514.4 (MANE Select); the canonical splice acceptor site of the intron before coding-DNA position 271, A replaced by G.
Molecular consequence: splice acceptor variant.
Genome position (GRCh38, 1-based): chr3:38,792,170, T>C on the plus strand (A>G on the coding strand, the complement: SCN10A is on the minus strand). VCF-style: chr3-38792170-T-C. GRCh37 (hg19) VCF-style: chr3-38833661-T-C.
Other names: c.271-2A>G (NM_001293307.2, NM_001293306.2).
Identifiers: ClinVar variation 1795085 (VCV001795085.4), dbSNP rs2470896057, ClinGen allele CA352161674.